The following is an entry in ClinVar:

NM_001377265.1(MAPT):c.1639C>T (p.Arg547Trp)

Gene: MAPT (microtubule associated protein tau). Cytogenetic location: 17q21.31.
Variant type: single nucleotide variant.
Coding change: c.1639C>T on transcript NM_001377265.1 (MANE Select); coding-DNA position 1639, C replaced by T.
Protein change: p.Arg547Trp; replaces arginine 547 with tryptophan.
Molecular consequence: missense variant. On other transcripts: non-coding transcript variant (1).
Genome position (GRCh38, 1-based): chr17:45,991,493, C>T. VCF-style: chr17-45991493-C-T. GRCh37 (hg19) VCF-style: chr17-44068859-C-T.
Other names: c.1414C>T, p.Arg472Trp (NM_001123066.4, NM_016835.5); c.376C>T, p.Arg126Trp (NM_001123067.4, NM_001203251.2, NM_001377267.1); c.463C>T, p.Arg155Trp (NM_001203252.2, NM_005910.6); c.1441C>T, p.Arg481Trp (NM_001377266.1); c.289C>T, p.Arg97Trp (NM_001377268.1, NM_016834.5, NM_016841.5); c.463C>T (NM_005910.5); short protein forms R126W, R155W, R472W, R481W, R547W, R97W.
Identifiers: ClinVar variation 2636621 (VCV002636621.3), dbSNP rs141545558, ClinGen allele CA8617966.

ClinVar aggregate classification (germline): Uncertain significance. Review status: criteria provided, single submitter (1 of 4 stars). 2 submissions from 2 submitters: Uncertain significance (1). 1 of the submissions does not count toward it. Last evaluated 2024-03-08.

Conditions:
MAPT-related disorder. Also called: MAPT-related condition; MAPT-Related Disorders.
Inborn genetic diseases. Identifiers: MedGen C0950123, MeSH D030342.

Allele frequency attached by ClinVar (database versions not stated): gnomAD exomes 0.00001; ExAC 0.00006; TOPMed 0.00006; gnomAD 0.00007; ESP Exome Variant Server 0.00015.
gnomAD v4.1: 25 of 1,614,090 alleles (0.0015%); highest among the groups gnomAD compares: African/African-American, 0.017%; no homozygotes.

Submissions (2):

Ambry Genetics
Classification: Uncertain significance for Inborn genetic diseases. Last evaluated: 2024-03-08. Review status: criteria provided, single submitter. Criteria: Ambry Variant Classification Scheme 2023. Collection method: clinical testing. Allele origin: germline.

PreventionGenetics, part of Exact Sciences
Classification: Uncertain significance for MAPT-related condition. Last evaluated: 2024-08-22. Review status: no assertion criteria provided. Collection method: clinical testing. Allele origin: germline. Not counted in ClinVar's aggregate classification.
Comment: The MAPT c.1414C>T variant is predicted to result in the amino acid substitution p.Arg472Trp. To our knowledge, this variant has not been reported in the literature. This variant is reported in 0.040% of alleles in individuals of African descent in gnomAD. At this time, the clinical significance of this variant is uncertain due to the absence of conclusive functional and genetic evidence.